The following is an entry in ClinVar:

ClinVar aggregate classification (germline): Uncertain significance. Review status: criteria provided, multiple submitters, no conflicts (2 of 4 stars). 5 submissions from 5 submitters: Uncertain significance (5). Last evaluated 2026-02-20.

Conditions:
BAP1-related tumor predisposition syndrome (TPDS1). Also called: BAP1 tumor predisposition syndrome; Tumor susceptibility linked to germline BAP1 mutations; COMMON Syndrome; TUMOR PREDISPOSITION SYNDROME 1. Identifiers: Orphanet 289539, MedGen C3280492, MONDO:0013692, OMIM 614327.
Hereditary cancer-predisposing syndrome. Also called: Hereditary Cancer Syndrome; Hereditary neoplastic syndrome; Tumor predisposition; Neoplastic Syndromes, Hereditary. Identifiers: Orphanet 140162, MedGen C0027672, MeSH D009386, MONDO:0015356.

Allele frequency attached by ClinVar (database versions not stated): gnomAD exomes below 0.00001.

Submissions (5):

St. Jude Molecular Pathology, St. Jude Children's Research Hospital
Classification: Uncertain significance for BAP1-related tumor predisposition syndrome. Last evaluated: 2026-02-20. Review status: criteria provided, single submitter. Criteria: St. Jude Assertion Criteria 2020. Collection method: clinical testing. Allele origin: germline.
Comment: The BAP1 c.1414G>A p.(Gly472Arg) missense change is absent in gnomAD v2.1.1. The in silico tool REVEL predicts a benign effect on protein function, but to our knowledge this prediction has not been confirmed by functional studies. To our knowledge, this variant has not been reported in the literature in individuals with BAP1-related tumor predisposition syndrome. In summary, the evidence currently available is insufficient to determine the cli nical significance of this variant. It has therefore been classified as of uncertain significance.

Ambry Genetics
Classification: Uncertain significance for Hereditary cancer-predisposing syndrome. Last evaluated: 2025-01-17. Review status: criteria provided, single submitter. Criteria: Ambry Variant Classification Scheme 2023. Collection method: clinical testing. Allele origin: germline.
Comment: The p.G472R variant (also known as c.1414G>A), located in coding exon 13 of the BAP1 gene, results from a G to A substitution at nucleotide position 1414. The glycine at codon 472 is replaced by arginine, an amino acid with dissimilar properties. This amino acid position is well conserved in available vertebrate species. In addition, this alteration is predicted to be tolerated by in silico analysis. Based on the available evidence, the clinical significance of this variant remains unclear.

GeneDx
Classification: Uncertain significance. Last evaluated: 2023-11-15. Review status: criteria provided, single submitter. Criteria: GeneDx Variant Classification Process June 2021. Collection method: clinical testing. Allele origin: germline. Affected: yes.
Comment: Not observed at significant frequency in large population cohorts (gnomAD); In silico analysis supports that this missense variant does not alter protein structure/function; Has not been previously published as pathogenic or benign to our knowledge

Baylor Genetics
Classification: Uncertain significance for BAP1-related tumor predisposition syndrome. Last evaluated: 2023-05-10. Review status: criteria provided, single submitter. Criteria: ACMG Guidelines, 2015. Collection method: clinical testing. Allele origin: unknown.

Labcorp Genetics (formerly Invitae), Labcorp
Classification: Uncertain significance for BAP1-related tumor predisposition syndrome. Last evaluated: 2019-12-18. Review status: criteria provided, single submitter. Criteria: Invitae Variant Classification Sherloc (09022015). Collection method: clinical testing. Allele origin: germline.
Comment: This sequence change replaces glycine with arginine at codon 472 of the BAP1 protein (p.Gly472Arg). The glycine residue is moderately conserved and there is a moderate physicochemical difference between glycine and arginine. This variant is not present in population databases (ExAC no frequency). This variant has not been reported in the literature in individuals with BAP1-related conditions. Algorithms developed to predict the effect of missense changes on protein structure and function are either unavailable or do not agree on the potential impact of this missense change (SIFT: "Deleterious"; PolyPhen-2: "Benign"; Align-GVGD: "Class C0"). In summary, the available evidence is currently insufficient to determine the role of this variant in disease. Therefore, it has been classified as a Variant of Uncertain Significance.

NM_004656.4(BAP1):c.1414G>A (p.Gly472Arg)

Gene: BAP1 (BRCA1 associated deubiquitinase 1; minus strand). Cytogenetic location: 3p21.1.
Variant type: single nucleotide variant.
Coding change: c.1414G>A on transcript NM_004656.4 (MANE Select); coding-DNA position 1414, G replaced by A.
Protein change: p.Gly472Arg; replaces glycine 472 with arginine.
Molecular consequence: missense variant.
Genome position (GRCh38, 1-based): chr3:52,403,731, C>T on the plus strand (G>A on the coding strand, the complement: BAP1 is on the minus strand). VCF-style: chr3-52403731-C-T. GRCh37 (hg19) VCF-style: chr3-52437747-C-T.
Other names: c.1414G>A (NM_004656.2); short protein forms G472R.
Identifiers: ClinVar variation 842049 (VCV000842049.14), dbSNP rs1705052598, ClinGen allele CA353101490.